The following is an entry in ClinVar:

ClinVar aggregate classification (germline): Benign/Likely benign. Review status: criteria provided, multiple submitters, no conflicts (2 of 4 stars). 4 submissions from 4 submitters: Benign (2); Likely benign (1). 1 of the submissions does not count toward it. Last evaluated 2026-02-02.

Conditions:
HMOX1-related disorder. Also called: HMOX1-related condition.

Allele frequency attached by ClinVar (database versions not stated): gnomAD exomes 0.00060 and 0.00156; ExAC 0.00208; gnomAD 0.00633 and 0.00684; TOPMed 0.00699; ESP Exome Variant Server 0.00715; 1000 Genomes Project 0.00899; 1000 Genomes Project 30x 0.00968.
gnomAD v4.1: 1,903 of 1,613,582 alleles (0.12%); highest among the groups gnomAD compares: African/African-American, 2.2%; 20 homozygotes.

Submissions (4):

Labcorp Genetics (formerly Invitae), Labcorp
Classification: Benign. Last evaluated: 2026-02-02. Review status: criteria provided, single submitter. Criteria: Invitae Variant Classification Sherloc (09022015). Collection method: clinical testing. Allele origin: germline.

Mayo Clinic Laboratories, Mayo Clinic
Classification: Likely benign. Last evaluated: 2025-06-10. Review status: criteria provided, single submitter. Criteria: ACMG Guidelines, 2015. Collection method: clinical testing. Allele origin: germline. Observed: 17 variant alleles.
Comment: BS2, BP4, BP7

Breakthrough Genomics
Classification: Benign. Review status: criteria provided, single submitter. Criteria: ACMG Guidelines, 2015. Collection method: not provided. Allele origin: germline. Inheritance: Autosomal recessive inheritance. Affected: yes.

PreventionGenetics, part of Exact Sciences
Classification: Likely benign for HMOX1-related condition. Last evaluated: 2023-12-04. Review status: no assertion criteria provided. Collection method: clinical testing. Allele origin: germline. Not counted in ClinVar's aggregate classification.
Comment: This variant is classified as likely benign based on ACMG/AMP sequence variant interpretation guidelines (Richards et al. 2015 PMID: 25741868, with internal and published modifications).

NM_002133.3(HMOX1):c.603A>G (p.Glu201=)

Gene: HMOX1 (heme oxygenase 1; plus strand). Cytogenetic location: 22q12.3.
Variant type: single nucleotide variant.
Coding change: c.603A>G on transcript NM_002133.3 (MANE Select); coding-DNA position 603, A replaced by G.
Protein change: p.Glu201=; no amino-acid change (glutamic acid 201 retained).
Molecular consequence: synonymous variant.
Genome position (GRCh38, 1-based): chr22:35,387,143, A>G. VCF-style: chr22-35387143-A-G. GRCh37 (hg19) VCF-style: chr22-35783136-A-G.
Other names: p.Glu201=.
Identifiers: ClinVar variation 775454 (VCV000775454.15), dbSNP rs11912348, ClinGen allele CA10204760.